The following is an entry in ClinVar:

NM_000384.3(APOB):c.12307A>C (p.Lys4103Gln)

Gene: APOB (apolipoprotein B; minus strand). Cytogenetic location: 2p24.1.
Variant type: single nucleotide variant.
Coding change: c.12307A>C on transcript NM_000384.3 (MANE Select); coding-DNA position 12307, A replaced by C.
Protein change: p.Lys4103Gln; replaces lysine 4103 with glutamine.
Molecular consequence: missense variant.
Genome position (GRCh38, 1-based): chr2:21,003,115, T>G on the plus strand (A>C on the coding strand, the complement: APOB is on the minus strand). VCF-style: chr2-21003115-T-G. GRCh37 (hg19) VCF-style: chr2-21225987-T-G.
Other names: short protein forms K4103Q.
Identifiers: ClinVar variation 1971630 (VCV001971630.3), dbSNP rs2465350900, ClinGen allele CA345971667.

ClinVar aggregate classification (germline): Uncertain significance (1 of 4 stars; one submission).

Conditions:
Familial hypobetalipoproteinemia 1. Also called: Hypobetalipoproteinemia, normotriglyceridemic; Acanthocytosis with hypobetalipoproteinemia; APOB-Related Familial Hypobetalipoproteinemia. Identifiers: MedGen C4551990, MONDO:0014252, OMIM 615558.
Hypercholesterolemia, autosomal dominant, type B (FHCL2). Also called: APOB-Related Familial Hypercholesterolemia, Autosomal Dominant; Familial Hypercholesterolemia Type B; APOLIPOPROTEIN B-100, FAMILIAL DEFECTIVE; APOLIPOPROTEIN B-100, FAMILIAL LIGAND-DEFECTIVE; HYPERCHOLESTEROLEMIA, FAMILIAL, DUE TO LIGAND-DEFECTIVE APOLIPOPROTEIN B; Familial hypercholesterolemia 2. Identifiers: MedGen C1704417, MONDO:0007751, OMIM 144010.

Allele frequency attached by ClinVar (database versions not stated): gnomAD exomes below 0.00001.
gnomAD v4.1: 2 of 1,604,142 alleles (0.00012%); highest among the groups gnomAD compares: African/African-American, 0.0013%; no homozygotes.

Submission:

Labcorp Genetics (formerly Invitae), Labcorp
Classification: Uncertain significance for Familial hypobetalipoproteinemia 1; Hypercholesterolemia, autosomal dominant, type B. Last evaluated: 2025-06-29. Review status: criteria provided, single submitter. Criteria: Invitae Variant Classification Sherloc (09022015). Collection method: clinical testing. Allele origin: germline.
Comment: This sequence change replaces lysine, which is basic and polar, with glutamine, which is neutral and polar, at codon 4103 of the APOB protein (p.Lys4103Gln). This variant is not present in population databases (gnomAD no frequency). This variant has not been reported in the literature in individuals affected with APOB-related conditions. ClinVar contains an entry for this variant (Variation ID: 1971630). Invitae Evidence Modeling of protein sequence and biophysical properties (such as structural, functional, and spatial information, amino acid conservation, physicochemical variation, residue mobility, and thermodynamic stability) indicates that this missense variant is not expected to disrupt APOB protein function with a negative predictive value of 95%. In summary, the available evidence is currently insufficient to determine the role of this variant in disease. Therefore, it has been classified as a Variant of Uncertain Significance.